The following is an entry in ClinVar:

ClinVar aggregate classification (germline): Uncertain significance (1 of 4 stars; one submission).

Conditions:
PLXNA4-related disorder. Also called: PLXNA4-related condition.

gnomAD v4.1: 2 of 1,613,530 alleles (0.00012%); highest among the groups gnomAD compares: Non-Finnish European, 0.000085%; no homozygotes.

Submission:

PreventionGenetics, part of Exact Sciences
Classification: Uncertain significance for PLXNA4-related condition. Last evaluated: 2024-12-17. Review status: criteria provided, single submitter. Criteria: ACMG Guidelines, 2015. Collection method: clinical testing. Allele origin: germline.
Comment: The PLXNA4 c.2254G>A variant is predicted to result in the amino acid substitution p.Ala752Thr. To our knowledge, this variant has not been reported in the literature or in a large population database, indicating this variant is rare. At this time, the clinical significance of this variant is uncertain due to the absence of conclusive functional and genetic evidence.

NM_020911.2(PLXNA4):c.2254G>A (p.Ala752Thr)

Gene: PLXNA4 (plexin A4; minus strand). Cytogenetic location: 7q32.3.
Variant type: single nucleotide variant.
Coding change: c.2254G>A on transcript NM_020911.2 (MANE Select); coding-DNA position 2254, G replaced by A.
Protein change: p.Ala752Thr; replaces alanine 752 with threonine.
Molecular consequence: missense variant.
Genome position (GRCh38, 1-based): chr7:132,210,987, C>T on the plus strand (G>A on the coding strand, the complement: PLXNA4 is on the minus strand). VCF-style: chr7-132210987-C-T. GRCh37 (hg19) VCF-style: chr7-131895746-C-T.
Other names: c.2254G>A, p.Ala752Thr (NM_001393897.1); short protein forms A752T.
Identifiers: ClinVar variation 4984432 (VCV004984432.1).